The following is an entry in ClinVar:

NM_002578.5(PAK3):c.1210+5G>C

Gene: PAK3 (p21 (RAC1) activated kinase 3; plus strand). Cytogenetic location: Xq23.
Variant type: single nucleotide variant.
Coding change: c.1210+5G>C on transcript NM_002578.5 (MANE Select); 5 bases into the intron after coding-DNA position 1210, G replaced by C.
Molecular consequence: intron variant.
Genome position (GRCh38, 1-based): chrX:111,195,946, G>C. VCF-style: chrX-111195946-G-C. GRCh37 (hg19) VCF-style: chrX-110439174-G-C.
Other names: c.1210+5G>C (NM_001128166.3, NM_001324325.2, NM_001324330.2 and 5 more transcripts); c.1318+5G>C (NM_001128168.3); c.1255+5G>C (NM_001128173.3, NM_001324329.2, NM_001324327.2 and 2 more transcripts); c.1273+5G>C (NM_001128172.2).
Identifiers: ClinVar variation 1393440 (VCV001393440.6), dbSNP rs2149330320, ClinGen allele CA2573159191.

ClinVar aggregate classification (germline): Uncertain significance (1 of 4 stars; one submission).

Submission:

Labcorp Genetics (formerly Invitae), Labcorp
Classification: Uncertain significance. Last evaluated: 2021-06-24. Review status: criteria provided, single submitter. Criteria: Invitae Variant Classification Sherloc (09022015). Collection method: clinical testing. Allele origin: germline.
Comment: This sequence change falls in intron 15 of the PAK3 gene. It does not directly change the encoded amino acid sequence of the PAK3 protein. It affects a nucleotide within the consensus splice site of the intron. This variant is not present in population databases (ExAC no frequency). This variant has not been reported in the literature in individuals with PAK3-related conditions. Nucleotide substitutions within the consensus splice site are a relatively common cause of aberrant splicing (PMID: 17576681, 9536098). Algorithms developed to predict the effect of sequence changes on RNA splicing suggest that this variant may disrupt the consensus splice site, but this prediction has not been confirmed by published transcriptional studies. In summary, the available evidence is currently insufficient to determine the role of this variant in disease. Therefore, it has been classified as a Variant of Uncertain Significance.

Literature cited by the submitters: PubMed 17576681; PubMed 9536098.